The following is an entry in ClinVar:

NM_000051.4(ATM):c.991A>G (p.Lys331Glu)

Gene: ATM (ATM serine/threonine kinase; plus strand). Cytogenetic location: 11q22.3.
Variant type: single nucleotide variant.
Coding change: c.991A>G on transcript NM_000051.4 (MANE Select); coding-DNA position 991, A replaced by G.
Protein change: p.Lys331Glu; replaces lysine 331 with glutamic acid.
Molecular consequence: missense variant.
Genome position (GRCh38, 1-based): chr11:108,247,053, A>G. VCF-style: chr11-108247053-A-G. GRCh37 (hg19) VCF-style: chr11-108117780-A-G.
Other names: c.991A>G, p.Lys331Glu (NM_001351834.2); short protein forms K331E.
Identifiers: ClinVar variation 482717 (VCV000482717.13), dbSNP rs1555068451, ClinGen allele CA382531245.
Genomic context (GRCh38, chr11:108,247,053, plus strand): 5'-ATTTTATACAACTTATATGATCTGCTAGTGAATGAGATAAGTCATATAGGAAGTAGAGGA[A>G]AGTATTCTTCAGGATTTCGTAATATTGCCGTCAAAGAAAATTTGATTGAATTGATGGCAG-3'
Protein context (NP_000042.3, residues 321-341): NEISHIGSRG[Lys331Glu]YSSGFRNIAV

ClinVar aggregate classification (germline): Uncertain significance. Review status: criteria provided, multiple submitters, no conflicts (2 of 4 stars). 3 submissions from 3 submitters: Uncertain significance (3). Last evaluated 2025-07-01.

Conditions:
Hereditary cancer-predisposing syndrome. Also called: Hereditary neoplastic syndrome; Neoplastic Syndromes, Hereditary; Tumor predisposition; Hereditary Cancer Syndrome. Identifiers: Orphanet 140162, MedGen C0027672, MeSH D009386, MONDO:0015356.
Ataxia-telangiectasia syndrome (AT). Also called: LOUIS-BAR SYNDROME; Cerebello-oculocutaneous telangiectasia; Immunodeficiency with ataxia telangiectasia; AT, COMPLEMENTATION GROUP C; Ataxia-telangiectasia, complementation group D; ATAXIA-TELANGIECTASIA, COMPLEMENTATION GROUP A. Identifiers: Orphanet 100, MedGen C0004135, MONDO:0008840, OMIM 208900.

Allele frequency attached by ClinVar (database versions not stated): gnomAD exomes below 0.00001.
gnomAD v4.1: 2 of 1,613,844 alleles (0.00012%); highest among the groups gnomAD compares: Non-Finnish European, 0.00017%; no homozygotes.

Submissions (3):

Color Diagnostics, LLC DBA Color Health
Classification: Uncertain significance for Hereditary cancer-predisposing syndrome. Last evaluated: 2025-07-01. Review status: criteria provided, single submitter. Criteria: ACMG Guidelines, 2015. Collection method: clinical testing. Allele origin: germline.
Comment: This missense variant replaces lysine with glutamic acid at codon 331 of the ATM protein. Computational prediction suggests that this variant may not impact protein structure and function. However, this variant was non-functional in a high throughput assay that measured cell fitness in the presence of olaparib (DOI: 10.1016/j.cell.2025.05.046). This variant has been reported in an individual affected with breast cancer (PMID: 33471991). This variant has not been identified in the general population by the Genome Aggregation Database (gnomAD). The available evidence is insufficient to determine the role of this variant in disease conclusively. Therefore, this variant is classified as a Variant of Uncertain Significance.

Labcorp Genetics (formerly Invitae), Labcorp
Classification: Uncertain significance for Ataxia-telangiectasia syndrome. Last evaluated: 2021-08-26. Review status: criteria provided, single submitter. Criteria: Invitae Variant Classification Sherloc (09022015). Collection method: clinical testing. Allele origin: germline.
Comment: This sequence change replaces lysine with glutamic acid at codon 331 of the ATM protein (p.Lys331Glu). The lysine residue is highly conserved and there is a small physicochemical difference between lysine and glutamic acid. This variant is not present in population databases (ExAC no frequency). This variant has not been reported in the literature in individuals affected with ATM-related conditions. ClinVar contains an entry for this variant (Variation ID: 482717). Algorithms developed to predict the effect of missense changes on protein structure and function are either unavailable or do not agree on the potential impact of this missense change (SIFT: "Deleterious"; PolyPhen-2: "Probably Damaging"; Align-GVGD: "Class C15"). In summary, the available evidence is currently insufficient to determine the role of this variant in disease. Therefore, it has been classified as a Variant of Uncertain Significance.

Ambry Genetics
Classification: Uncertain significance for Hereditary cancer-predisposing syndrome. Last evaluated: 2017-05-03. Review status: criteria provided, single submitter. Criteria: Ambry Variant Classification Scheme 2023. Collection method: clinical testing. Allele origin: germline.
Comment: The p.K331E variant (also known as c.991A>G), located in coding exon 7 of the ATM gene, results from an A to G substitution at nucleotide position 991. The lysine at codon 331 is replaced by glutamic acid, an amino acid with similar properties. This amino acid position is highly conserved in available vertebrate species. In addition, this alteration is predicted to be deleterious by in silico analysis. Since supporting evidence is limited at this time, the clinical significance of this alteration remains unclear.

Literature cited by the submitters: PubMed 33471991 (cited by Color Diagnostics, LLC DBA Color Health).